The following is an entry in ClinVar:

ClinVar aggregate classification (germline): Uncertain significance. Review status: criteria provided, multiple submitters, no conflicts (2 of 4 stars). 2 submissions from 2 submitters: Uncertain significance (2). Last evaluated 2024-02-14.

gnomAD v4.1: 16 of 1,614,094 alleles (0.00099%); highest among the groups gnomAD compares: Admixed American, 0.0033%; no homozygotes.

Submissions (2):

Blueprint Genetics
Classification: Uncertain significance. Last evaluated: 2024-02-14. Review status: criteria provided, single submitter. Criteria: ACMG Guidelines, 2015. Collection method: clinical testing. Allele origin: germline.

Labcorp Genetics (formerly Invitae), Labcorp
Classification: Uncertain significance. Last evaluated: 2022-07-19. Review status: criteria provided, single submitter. Criteria: Invitae Variant Classification Sherloc (09022015). Collection method: clinical testing. Allele origin: germline.
Comment: This sequence change replaces proline, which is neutral and non-polar, with leucine, which is neutral and non-polar, at codon 422 of the AGBL5 protein (p.Pro422Leu). This variant is present in population databases (rs140111286, gnomAD 0.006%). This variant has not been reported in the literature in individuals affected with AGBL5-related conditions. ClinVar contains an entry for this variant (Variation ID: 954316). Algorithms developed to predict the effect of missense changes on protein structure and function are either unavailable or do not agree on the potential impact of this missense change (SIFT: "Tolerated"; PolyPhen-2: "Possibly Damaging"; Align-GVGD: "Class C0"). In summary, the available evidence is currently insufficient to determine the role of this variant in disease. Therefore, it has been classified as a Variant of Uncertain Significance.

NM_021831.6(AGBL5):c.1265C>T (p.Pro422Leu)

Gene: AGBL5 (AGBL carboxypeptidase 5; plus strand). Cytogenetic location: 2p23.3.
Variant type: single nucleotide variant.
Coding change: c.1265C>T on transcript NM_021831.6 (MANE Select); coding-DNA position 1265, C replaced by T.
Protein change: p.Pro422Leu; replaces proline 422 with leucine.
Molecular consequence: missense variant. On other transcripts: non-coding transcript variant (2).
Genome position (GRCh38, 1-based): chr2:27,056,038, C>T. VCF-style: chr2-27056038-C-T. GRCh37 (hg19) VCF-style: chr2-27278906-C-T.
Other names: c.1265C>T, p.Pro422Leu (NM_001035507.3); short protein forms P422L.
Identifiers: ClinVar variation 954316 (VCV000954316.8), dbSNP rs140111286, ClinGen allele CA1567827.